The following is an entry in ClinVar:

ClinVar aggregate classification (germline): Pathogenic (1 of 4 stars; one submission).

Conditions:
Developmental and epileptic encephalopathy. Identifiers: MedGen C5779964, MONDO:0100620.

Submission:

Labcorp Genetics (formerly Invitae), Labcorp
Classification: Pathogenic for Early infantile epileptic encephalopathy with suppression bursts. Last evaluated: 2019-06-05. Review status: criteria provided, single submitter. Criteria: Invitae Variant Classification Sherloc (09022015). Collection method: clinical testing. Allele origin: germline.
Comment: This sequence change replaces proline with alanine at codon 1451 of the SCN1A protein (p.Pro1451Ala). The proline residue is highly conserved and there is a small physicochemical difference between proline and alanine. This variant is not present in population databases (ExAC no frequency). Algorithms developed to predict the effect of missense changes on protein structure and function (SIFT, PolyPhen-2, Align-GVGD) all suggest that this variant is likely to be disruptive, but these predictions have not been confirmed by published functional studies and their clinical significance is uncertain. This variant disrupts the p.Pro1451 amino acid residue in SCN1A. Other variant(s) that disrupt this residue have been determined to be pathogenic (PMID: 17054684, Invitae). This suggests that this residue is clinically significant, and that variants that disrupt this residue are likely to be disease-causing. For these reasons, this variant has been classified as Pathogenic.

Literature cited by the submitters: PubMed 17054684.

NM_001165963.4(SCN1A):c.4351C>G (p.Pro1451Ala)

Genes: SCN1A (sodium voltage-gated channel alpha subunit 1; minus strand), LOC102724058 (uncharacterized LOC102724058; plus strand). Cytogenetic location: 2q24.3.
Variant type: single nucleotide variant.
Coding change: c.4351C>G on transcript NM_001165963.4 (MANE Select); coding-DNA position 4351, C replaced by G.
Protein change: p.Pro1451Ala; replaces proline 1451 with alanine.
Molecular consequence: missense variant. On other transcripts: non-coding transcript variant (1).
Genome position (GRCh38, 1-based): chr2:165,998,163, G>C on the plus strand (C>G on the coding strand, the complement: SCN1A is on the minus strand). VCF-style: chr2-165998163-G-C. GRCh37 (hg19) VCF-style: chr2-166854673-G-C.
Other names: c.4267C>G, p.Pro1423Ala (NM_001165964.3, NM_001353957.2, NM_001353958.2); c.4351C>G, p.Pro1451Ala (NM_001202435.3, NM_001353948.2); c.4318C>G, p.Pro1440Ala (NM_001353949.2, NM_001353950.2, NM_001353951.2 and 2 more transcripts); c.4315C>G, p.Pro1439Ala (NM_001353954.2, NM_001353955.2); c.4264C>G, p.Pro1422Ala (NM_001353960.2); c.1909C>G, p.Pro637Ala (NM_001353961.2); short protein forms P1422A, P1423A, P1440A, P1439A, P637A, P1451A.
Identifiers: ClinVar variation 948378 (VCV000948378.2), dbSNP rs794726696, ClinGen allele CA349049489.
Genomic context (GRCh38, chr2:165,998,163, plus strand): 5'-ACCCAAAGATGATGAAAATAACAAAGTAAAGATACATGTACAGACTTTCTTCATACTTAG[G>C]CTGGAGTTCCACCTACCAAAGGGGAATATTTTGTAAAATATTACCATACATTTTAGTGCT-3'
Protein context (NP_001159435.1, residues 1441-1461): AVDSRNVELQ[Pro1451Ala]KYEESLYMYL